The following is an entry in ClinVar:

ClinVar aggregate classification (germline): Uncertain significance. Review status: criteria provided, multiple submitters, no conflicts (2 of 4 stars). 2 submissions from 2 submitters: Uncertain significance (2). Last evaluated 2022-07-26.

Allele frequency attached by ClinVar (database versions not stated): gnomAD 0.00001; gnomAD exomes 0.00001; TOPMed 0.00001; ExAC 0.00002.
gnomAD v4.1: 3 of 1,614,002 alleles (0.00019%); highest among the groups gnomAD compares: African/African-American, 0.0027%; no homozygotes.

Submissions (2):

Labcorp Genetics (formerly Invitae), Labcorp
Classification: Uncertain significance. Last evaluated: 2022-07-26. Review status: criteria provided, single submitter. Criteria: Invitae Variant Classification Sherloc (09022015). Collection method: clinical testing. Allele origin: germline.
Comment: This sequence change replaces alanine, which is neutral and non-polar, with aspartic acid, which is acidic and polar, at codon 4775 of the USH2A protein (p.Ala4775Asp). This variant is present in population databases (rs768124080, gnomAD 0.02%). This variant has not been reported in the literature in individuals affected with USH2A-related conditions. ClinVar contains an entry for this variant (Variation ID: 943358). Algorithms developed to predict the effect of missense changes on protein structure and function are either unavailable or do not agree on the potential impact of this missense change (SIFT: "Deleterious"; PolyPhen-2: "Benign"; Align-GVGD: "Class C0"). In summary, the available evidence is currently insufficient to determine the role of this variant in disease. Therefore, it has been classified as a Variant of Uncertain Significance.

Blueprint Genetics
Classification: Uncertain significance. Last evaluated: 2021-11-15. Review status: criteria provided, single submitter. Criteria: ACMG Guidelines, 2015. Collection method: clinical testing. Allele origin: germline.

NM_206933.4(USH2A):c.14324C>A (p.Ala4775Asp)

Gene: USH2A (usherin; minus strand). Cytogenetic location: 1q41.
Variant type: single nucleotide variant.
Coding change: c.14324C>A on transcript NM_206933.4 (MANE Select); coding-DNA position 14324, C replaced by A.
Protein change: p.Ala4775Asp; replaces alanine 4775 with aspartic acid.
Molecular consequence: missense variant.
Genome position (GRCh38, 1-based): chr1:215,650,611, G>T on the plus strand (C>A on the coding strand, the complement: USH2A is on the minus strand). VCF-style: chr1-215650611-G-T. GRCh37 (hg19) VCF-style: chr1-215823953-G-T.
Other names: short protein forms A4775D.
Identifiers: ClinVar variation 943358 (VCV000943358.5), dbSNP rs768124080, ClinGen allele CA1393061.